The following is an entry in ClinVar:

ClinVar aggregate classification (germline): Uncertain significance (1 of 4 stars; one submission).

Conditions:
Congenital myopathy with fiber type disproportion. Also called: Congenital fiber-type disproportion myopathy; Congenital fiber-type disproportion. Identifiers: Orphanet 2020, MedGen C0546264, MONDO:0009711. Inheritance: all.
Congenital myopathy 4B, autosomal recessive. Also called: Nemaline myopathy 1, autosomal dominant or recessive. Identifiers: Orphanet 171433, Orphanet 171439, Orphanet 171881, MedGen C5829889, MONDO:0012239, OMIM 609284.

Submission:

Labcorp Genetics (formerly Invitae), Labcorp
Classification: Uncertain significance for Congenital myopathy with fiber type disproportion; Congenital myopathy 4B, autosomal recessive. Last evaluated: 2023-07-07. Review status: criteria provided, single submitter. Criteria: Invitae Variant Classification Sherloc (09022015). Collection method: clinical testing. Allele origin: germline.
Comment: This sequence change replaces aspartic acid, which is acidic and polar, with asparagine, which is neutral and polar, at codon 42 of the TPM3 protein (p.Asp42Asn). This variant is not present in population databases (gnomAD no frequency). This variant has not been reported in the literature in individuals affected with TPM3-related conditions. ClinVar contains an entry for this variant (Variation ID: 950167). Advanced modeling of protein sequence and biophysical properties (such as structural, functional, and spatial information, amino acid conservation, physicochemical variation, residue mobility, and thermodynamic stability) performed at Invitae indicates that this missense variant is not expected to disrupt TPM3 protein function. In summary, the available evidence is currently insufficient to determine the role of this variant in disease. Therefore, it has been classified as a Variant of Uncertain Significance.

NM_152263.4(TPM3):c.124G>A (p.Asp42Asn)

Gene: TPM3 (tropomyosin 3; minus strand). Cytogenetic location: 1q21.3.
Variant type: single nucleotide variant.
Coding change: c.124G>A on transcript NM_152263.4 (MANE Select); coding-DNA position 124, G replaced by A.
Protein change: p.Asp42Asn; replaces aspartic acid 42 with asparagine.
Molecular consequence: missense variant. On other transcripts: non-coding transcript variant (1).
Genome position (GRCh38, 1-based): chr1:154,191,305, C>T on the plus strand (G>A on the coding strand, the complement: TPM3 is on the minus strand). VCF-style: chr1-154191305-C-T. GRCh37 (hg19) VCF-style: chr1-154163781-C-T.
Other names: c.124G>A, p.Asp42Asn (NM_001364679.2, NM_001364680.2, NM_001364681.2 and 1 more transcripts); short protein forms D42N.
Identifiers: ClinVar variation 950167 (VCV000950167.10), dbSNP rs1663671899, ClinGen allele CA342587312.